The following is an entry in ClinVar:

ClinVar aggregate classification (germline): Uncertain significance. Review status: criteria provided, single submitter (1 of 4 stars). 2 submissions from 2 submitters: Uncertain significance (1). 1 of the submissions does not count toward it. Last evaluated 2022-06-28.

Conditions:
Neuronopathy, distal hereditary motor, autosomal recessive. Also called: Autosomal recessive distal hereditary motor neuropathy. Identifiers: Orphanet 140468, MedGen C5548369, MONDO:0015363.
Bethlem myopathy 1A. Also called: MYOPATHY, BENIGN CONGENITAL, WITH CONTRACTURES; Bethlem Muscular Dystrophy; Bethlem myopathy 1. Identifiers: Orphanet 610, MedGen CN029274, MONDO:0024530, OMIM 158810.

Allele frequency attached by ClinVar (database versions not stated): gnomAD exomes below 0.00001.
gnomAD v4.1: 5 of 1,614,226 alleles (0.00031%); highest among the groups gnomAD compares: Middle Eastern, 0.016%; no homozygotes.

Submissions (2):

Labcorp Genetics (formerly Invitae), Labcorp
Classification: Uncertain significance for Bethlem myopathy 1A. Last evaluated: 2022-06-28. Review status: criteria provided, single submitter. Criteria: Invitae Variant Classification Sherloc (09022015). Collection method: clinical testing. Allele origin: germline.
Comment: This sequence change falls in intron 11 of the COL6A3 gene. It does not directly change the encoded amino acid sequence of the COL6A3 protein. It affects a nucleotide within the consensus splice site. This variant is present in population databases (no rsID available, gnomAD no frequency). This variant has not been reported in the literature in individuals affected with COL6A3-related conditions. ClinVar contains an entry for this variant (Variation ID: 549695). Variants that disrupt the consensus splice site are a relatively common cause of aberrant splicing (PMID: 17576681, 9536098). Algorithms developed to predict the effect of sequence changes on RNA splicing suggest that this variant is not likely to affect RNA splicing. In summary, the available evidence is currently insufficient to determine the role of this variant in disease. Therefore, it has been classified as a Variant of Uncertain Significance.

Institute of Human Genetics, Cologne University
Classification: Uncertain significance for Autosomal recessive distal hereditary motor neuropathy. Last evaluated: 2018-04-26. Review status: no assertion criteria provided. Collection method: clinical testing. Allele origin: unknown. Affected: yes. Not counted in ClinVar's aggregate classification.

Literature cited by the submitters: PubMed 17576681 (cited by Labcorp Genetics (formerly Invitae), Labcorp); PubMed 9536098 (cited by Labcorp Genetics (formerly Invitae), Labcorp).

NM_004369.4(COL6A3):c.5500+3A>C

Gene: COL6A3 (collagen type VI alpha 3 chain; minus strand). Cytogenetic location: 2q37.3.
Variant type: single nucleotide variant.
Coding change: c.5500+3A>C on transcript NM_004369.4 (MANE Select); 3 bases into the intron after coding-DNA position 5500, A replaced by C.
Molecular consequence: intron variant.
Genome position (GRCh38, 1-based): chr2:237,366,684, T>G on the plus strand (A>C on the coding strand, the complement: COL6A3 is on the minus strand). VCF-style: chr2-237366684-T-G. GRCh37 (hg19) VCF-style: chr2-238275327-T-G.
Other names: c.3679+3A>C (NM_057166.5); c.4882+3A>C (NM_057167.4).
Identifiers: ClinVar variation 549695 (VCV000549695.3), dbSNP rs1345603228, ClinGen allele CA540749801.
Genomic context (GRCh38, chr2:237,366,684, plus strand): 5'-ACAGCTAAAGAGGCACAAATGTCAACAGGAAAGGATGGAAAATATGCACATAATGGGAGT[T>G]ACCTTTGGCAGCATCAGTTACACCAGGGCAAAGGGTTTCATGCATCGCATCATGCAAAGT-3'